The following is an entry in ClinVar:

NM_032833.5(PPP1R15B):c.752A>G (p.Gln251Arg)

Gene: PPP1R15B (protein phosphatase 1 regulatory subunit 15B; minus strand). Cytogenetic location: 1q32.1.
Variant type: single nucleotide variant.
Coding change: c.752A>G on transcript NM_032833.5 (MANE Select); coding-DNA position 752, A replaced by G.
Protein change: p.Gln251Arg; replaces glutamine 251 with arginine.
Molecular consequence: missense variant.
Genome position (GRCh38, 1-based): chr1:204,410,660, T>C on the plus strand (A>G on the coding strand, the complement: PPP1R15B is on the minus strand). VCF-style: chr1-204410660-T-C. GRCh37 (hg19) VCF-style: chr1-204379788-T-C.
Other names: short protein forms Q251R.
Identifiers: ClinVar variation 3309369 (VCV003309369.2).

ClinVar aggregate classification (germline): Uncertain significance. Review status: criteria provided, multiple submitters, no conflicts (2 of 4 stars). 2 submissions from 2 submitters: Uncertain significance (2). Last evaluated 2025-12-31.

Conditions:
Inborn genetic diseases. Identifiers: MedGen C0950123, MeSH D030342.

gnomAD v4.1: 6 of 1,614,004 alleles (0.00037%); highest among the groups gnomAD compares: East Asian, 0.013%; no homozygotes.

Submissions (2):

Labcorp Genetics (formerly Invitae), Labcorp
Classification: Uncertain significance. Last evaluated: 2025-12-31. Review status: criteria provided, single submitter. Criteria: Invitae Variant Classification Sherloc (09022015). Collection method: clinical testing. Allele origin: germline.
Comment: This sequence change replaces glutamine, which is neutral and polar, with arginine, which is basic and polar, at codon 251 of the PPP1R15B protein (p.Gln251Arg). This variant is present in population databases (rs758782775, gnomAD 0.03%). This variant has not been reported in the literature in individuals affected with PPP1R15B-related conditions. ClinVar contains an entry for this variant (Variation ID: 3309369). Invitae Evidence Modeling of protein sequence and biophysical properties (such as structural, functional, and spatial information, amino acid conservation, physicochemical variation, residue mobility, and thermodynamic stability) indicates that this missense variant is not expected to disrupt PPP1R15B protein function with a negative predictive value of 80%. In summary, the available evidence is currently insufficient to determine the role of this variant in disease. Therefore, it has been classified as a Variant of Uncertain Significance.

Ambry Genetics
Classification: Uncertain significance for Inborn genetic diseases. Last evaluated: 2024-03-19. Review status: criteria provided, single submitter. Criteria: Ambry Variant Classification Scheme 2023. Collection method: clinical testing. Allele origin: germline.